The following is an entry in ClinVar:

NM_002744.6(PRKCZ):c.24G>A (p.Lys8=)

Gene: PRKCZ (protein kinase C zeta; plus strand). Cytogenetic location: 1p36.33.
Variant type: single nucleotide variant.
Coding change: c.24G>A on transcript NM_002744.6 (MANE Select); coding-DNA position 24, G replaced by A.
Protein change: p.Lys8=; no amino-acid change (lysine 8 retained).
Molecular consequence: synonymous variant.
Genome position (GRCh38, 1-based): chr1:2,050,654, G>A. VCF-style: chr1-2050654-G-A. GRCh37 (hg19) VCF-style: chr1-1982093-G-A.
Identifiers: ClinVar variation 3771182 (VCV003771182.13).
Genomic context (GRCh38, chr1:2,050,654, plus strand): 5'-CGGGGCGCAGCGCTGACGGCGGCGGGGGGAGCGCGCCATGCCCAGCAGGACCGGCCCCAA[G>A]ATGGAAGGGAGCGGCGGCCGCGTCCGCCTCAAGGCGCATTACGGGGGGTGAGCGGCGGAG-3'
Protein context (NP_002735.3, residues 1-18): MPSRTGP[Lys8=]MEGSGGRVRL

ClinVar aggregate classification (germline): Likely benign (1 of 4 stars; one submission).

gnomAD v4.1: 33 of 1,227,064 alleles (0.0027%); highest among the groups gnomAD compares: Non-Finnish European, 0.0031%; no homozygotes.

Submission:

CeGaT Center for Human Genetics Tuebingen
Classification: Likely benign. Last evaluated: 2024-12-01. Review status: criteria provided, single submitter. Criteria: CeGaT Center For Human Genetics Tuebingen Variant Classification Criteria Version 2. Collection method: clinical testing. Allele origin: germline. Affected: yes. Observed: 1 variant allele.
Comment: PRKCZ: BP4, BP7